The following is an entry in ClinVar:

ClinVar aggregate classification (germline): Conflicting classifications of pathogenicity. Review status: criteria provided, conflicting classifications (1 of 4 stars). 3 submissions from 3 submitters: Uncertain significance (1); Benign (1); Likely benign (1). Last evaluated 2025-02-02.

Conditions:
Hyperekplexia 2 (HKPX2). Identifiers: Orphanet 3197, MedGen C3553291, MONDO:0013828, OMIM 614619.

Allele frequency attached by ClinVar (database versions not stated): ExAC 0.00007; gnomAD exomes 0.00007 and 0.00010; gnomAD 0.00009 and 0.00012; TOPMed 0.00009; ESP Exome Variant Server 0.00023; 1000 Genomes Project 30x 0.00031; 1000 Genomes Project 0.00040.
gnomAD v4.1: 154 of 1,612,262 alleles (0.0096%); highest among the groups gnomAD compares: Non-Finnish European, 0.012%; 1 homozygote.

Submissions (3):

Labcorp Genetics (formerly Invitae), Labcorp
Classification: Likely benign for Hyperekplexia 2. Last evaluated: 2025-02-02. Review status: criteria provided, single submitter. Criteria: Invitae Variant Classification Sherloc (09022015). Collection method: clinical testing. Allele origin: germline.

GeneDx
Classification: Uncertain significance. Last evaluated: 2023-06-03. Review status: criteria provided, single submitter. Criteria: GeneDx Variant Classification Process June 2021. Collection method: clinical testing. Allele origin: germline. Affected: yes.
Comment: In silico analysis supports that this missense variant has a deleterious effect on protein structure/function; Has not been previously published as pathogenic or benign to our knowledge

Illumina Laboratory Services, Illumina
Classification: Benign for Hyperekplexia 2. Last evaluated: 2018-01-13. Review status: criteria provided, single submitter. Criteria: ICSL Variant Classification Criteria 13 December 2019. Collection method: clinical testing. Allele origin: germline.
Comment: This variant was observed in the ICSL laboratory as part of a predisposition screen in an ostensibly healthy population. It had not been previously curated by ICSL or reported in the Human Gene Mutation Database (HGMD: prior to June 1st, 2018), and was therefore a candidate for classification through an automated scoring system. Utilizing variant allele frequency, disease prevalence and penetrance estimates, and inheritance mode, an automated score was calculated to assess if this variant is too frequent to cause the disease. Based on the score and internal cut-off values, a variant classified as benign is not then subjected to further curation. The score for this variant resulted in a classification of benign for this disease.

NM_000824.5(GLRB):c.92A>G (p.Lys31Arg)

Gene: GLRB (glycine receptor beta; plus strand). Cytogenetic location: 4q32.1.
Variant type: single nucleotide variant.
Coding change: c.92A>G on transcript NM_000824.5 (MANE Select); coding-DNA position 92, A replaced by G.
Protein change: p.Lys31Arg; replaces lysine 31 with arginine.
Molecular consequence: missense variant.
Genome position (GRCh38, 1-based): chr4:157,078,116, A>G. VCF-style: chr4-157078116-A-G. GRCh37 (hg19) VCF-style: chr4-157999268-A-G.
Other names: c.92A>G, p.Lys31Arg (NM_001166060.2, NM_001166061.2); short protein forms K31R.
Identifiers: ClinVar variation 901768 (VCV000901768.12), dbSNP rs149863285, ClinGen allele CA3119643.
Genomic context (GRCh38, chr4:157,078,116, plus strand): 5'-TTTTAATTTCCTTGTGGGTGGAAGAAGCCTATTCTAAGGAAAAGTCTTCAAAGAAAGGGA[A>G]GGGGAAAAAGAAGCAGTATCTATGCCCATCGTATGTTCTTCATGTCTTATATTCTTATAT-3'
Protein context (NP_000815.1, residues 21-41): YSKEKSSKKG[Lys31Arg]GKKKQYLCPS